The following is an entry in ClinVar:

NM_000264.5(PTCH1):c.3976T>C (p.Ser1326Pro)

Gene: PTCH1 (patched 1; minus strand). Cytogenetic location: 9q22.32.
Variant type: single nucleotide variant.
Coding change: c.3976T>C on transcript NM_000264.5 (MANE Select); coding-DNA position 3976, T replaced by C.
Protein change: p.Ser1326Pro; replaces serine 1326 with proline.
Molecular consequence: missense variant. On other transcripts: non-coding transcript variant (1).
Genome position (GRCh38, 1-based): chr9:95,447,280, A>G on the plus strand (T>C on the coding strand, the complement: PTCH1 is on the minus strand). VCF-style: chr9-95447280-A-G. GRCh37 (hg19) VCF-style: chr9-98209562-A-G.
Other names: c.3778T>C, p.Ser1260Pro (NM_001083602.3); c.3973T>C, p.Ser1325Pro (NM_001083603.3); c.3523T>C, p.Ser1175Pro (NM_001083604.3, NM_001083605.3, NM_001083606.3 and 1 more transcripts); c.3820T>C, p.Ser1274Pro (NM_001354918.2); short protein forms S1325P, S1175P, S1326P, S1260P, S1274P.
Identifiers: ClinVar variation 3008563 (VCV003008563.4), dbSNP rs2136580309, ClinGen allele CA374110552.

ClinVar aggregate classification (germline): Uncertain significance. Review status: criteria provided, multiple submitters, no conflicts (2 of 4 stars). 2 submissions from 2 submitters: Uncertain significance (2). Last evaluated 2026-07-11.

Conditions:
Gorlin syndrome. Also called: Nevoid Basal Cell Carcinoma Syndrome; Basal cell nevus syndrome. Identifiers: Orphanet 377, MedGen C0004779, MONDO:0007187.
Hereditary cancer-predisposing syndrome. Also called: Hereditary Cancer Syndrome; Hereditary neoplastic syndrome; Neoplastic Syndromes, Hereditary; Tumor predisposition. Identifiers: Orphanet 140162, MedGen C0027672, MeSH D009386, MONDO:0015356.

Submissions (2):

Ambry Genetics
Classification: Uncertain significance for Hereditary cancer-predisposing syndrome. Last evaluated: 2026-07-11. Review status: criteria provided, single submitter. Criteria: Ambry Variant Classification Scheme 2023. Collection method: clinical testing. Allele origin: germline.
Comment: The p.S1326P variant (also known as c.3976T>C), located in coding exon 23 of the PTCH1 gene, results from a T to C substitution at nucleotide position 3976. The serine at codon 1326 is replaced by proline, an amino acid with similar properties. This amino acid position is conserved. In addition, this alteration is predicted to be tolerated by in silico analysis. Based on the available evidence, the clinical significance of this variant remains unclear.

Labcorp Genetics (formerly Invitae), Labcorp
Classification: Uncertain significance for Gorlin syndrome. Last evaluated: 2025-08-20. Review status: criteria provided, single submitter. Criteria: Invitae Variant Classification Sherloc (09022015). Collection method: clinical testing. Allele origin: germline.
Comment: This sequence change replaces serine, which is neutral and polar, with proline, which is neutral and non-polar, at codon 1326 of the PTCH1 protein (p.Ser1326Pro). This variant is not present in population databases (gnomAD no frequency). This variant has not been reported in the literature in individuals affected with PTCH1-related conditions. ClinVar contains an entry for this variant (Variation ID: 3008563). Invitae Evidence Modeling of protein sequence and biophysical properties (such as structural, functional, and spatial information, amino acid conservation, physicochemical variation, residue mobility, and thermodynamic stability) indicates that this missense variant is not expected to disrupt PTCH1 protein function with a negative predictive value of 95%. In summary, the available evidence is currently insufficient to determine the role of this variant in disease. Therefore, it has been classified as a Variant of Uncertain Significance.